The following is an entry in ClinVar:

ClinVar aggregate classification (germline): Pathogenic (1 of 4 stars; one submission).

Conditions:
Waardenburg syndrome type 2A (WS2A). Also called: WAARDENBURG SYNDROME WITHOUT DYSTOPIA CANTHORUM. Identifiers: Orphanet 3440, MedGen C1860339, MONDO:0008671, OMIM 193510.

Submission:

Institute of Rare Diseases, West China Hospital, Sichuan University
Classification: Pathogenic for Waardenburg syndrome type 2A. Last evaluated: 2025-01-09. Review status: criteria provided, single submitter. Criteria: ClinGen HL ACMG Specifications v1. Collection method: research. Allele origin: germline. Affected: yes.
Comment: PM1;PVS1;PP4;PM2_Supporting

NM_001354604.2(MITF):c.1092dup (p.Gln365fs)

Gene: MITF (melanocyte inducing transcription factor; plus strand). Cytogenetic location: 3p13.
Variant type: Duplication.
Coding change: c.1092dup on transcript NM_001354604.2 (MANE Select); coding-DNA position 1092, one base duplicated (G; older notation c.1092dupG).
Protein change: p.Gln365fs; shifts the reading frame from glutamine 365.
Molecular consequence: frameshift variant.
Genome position (GRCh38, 1-based): chr3:69,959,333, G duplicated. VCF-style (leftmost placement, unchanged base first): chr3-69959332-T-TG. GRCh37 (hg19) VCF-style: chr3-70008483-T-TG.
Other names: c.771dup, p.Gln258fs (NM_000248.4); c.918dup, p.Gln307fs (NM_001184967.2, NM_001354608.2); c.1089dup, p.Gln364fs (NM_001354605.2); c.1071dup, p.Gln358fs (NM_001354606.2, NM_006722.3); c.1023dup, p.Gln342fs (NM_001354607.2); c.753dup, p.Gln252fs (NM_198158.3); c.1074dup, p.Gln359fs (NM_198159.3); c.1026dup, p.Gln343fs (NM_198177.3); and 1 more; short protein forms Q196fs, Q252fs, Q258fs, Q307fs, Q342fs, Q343fs, Q358fs, Q359fs.
Identifiers: ClinVar variation 3601273 (VCV003601273.1).